The following is an entry in ClinVar:

ClinVar aggregate classification (germline): Conflicting classifications of pathogenicity. Review status: criteria provided, conflicting classifications (1 of 4 stars). 3 submissions from 3 submitters: Pathogenic (1); Likely pathogenic (1); Uncertain significance (1). Last evaluated 2024-02-17.

Conditions:
Hereditary spastic paraplegia 3A (SPG3A). Also called: SPASTIC PARAPLEGIA 3, AUTOSOMAL DOMINANT; FAMILIAL SPASTIC PARAPLEGIA, AUTOSOMAL DOMINANT, 1; SPG3; STRUMPELL DISEASE; Spastic Paraplegia 3A; Spastic paraplegia 3A, autosomal dominant. Identifiers: Orphanet 100984, MedGen C2931355, MONDO:0008437, OMIM 182600.

Submissions (3):

Labcorp Genetics (formerly Invitae), Labcorp
Classification: Uncertain significance for Hereditary spastic paraplegia 3A. Last evaluated: 2024-02-17. Review status: criteria provided, single submitter. Criteria: Invitae Variant Classification Sherloc (09022015). Collection method: clinical testing. Allele origin: germline.
Comment: This sequence change replaces asparagine, which is neutral and polar, with aspartic acid, which is acidic and polar, at codon 436 of the ATL1 protein (p.Asn436Asp). This variant is not present in population databases (gnomAD no frequency). This variant has not been reported in the literature in individuals affected with ATL1-related conditions. ClinVar contains an entry for this variant (Variation ID: 989062). Advanced modeling of protein sequence and biophysical properties (such as structural, functional, and spatial information, amino acid conservation, physicochemical variation, residue mobility, and thermodynamic stability) performed at Invitae indicates that this missense variant is expected to disrupt ATL1 protein function with a positive predictive value of 80%. Experimental studies have shown that this missense change does not substantially affect ATL1 function (PMID: 14506257). In summary, the available evidence is currently insufficient to determine the role of this variant in disease. Therefore, it has been classified as a Variant of Uncertain Significance.

Victorian Clinical Genetics Services, Murdoch Childrens Research Institute
Classification: Likely pathogenic for Hereditary spastic paraplegia 3A. Last evaluated: 2022-02-02. Review status: criteria provided, single submitter. Criteria: ACMG Guidelines, 2015. Collection method: clinical testing. Allele origin: germline. Inheritance: Autosomal dominant inheritance. Affected: yes.
Comment: Based on the classification scheme VCGS_Germline_v1.3.4, this variant is classified as Likely Pathogenic. Following criteria are met: 0103 - Dominant negative and loss of function (LoF) are known mechanisms of disease in this gene and are associated with spastic paraplegia 3A (MIM#182600) and hereditary sensory neuropathy, type ID (MIM#613708). Protein functionally impairs oligomer formation by binding to wildtype protein through a dominant negative mechanism (PMID: 16537571). Homozygous variants described in two families indicate LoF as a disease mechanism (PMID: 24473461, PMID: 26888483). (I) 0107 - This gene is associated with autosomal dominant disease. However, rare examples of individuals with biallelic variants in this gene have also been reported (PMID: 24473461, PMID: 26888483). (I) 0112 - The condition associated with this gene has incomplete penetrance. Reduced penetrance was previously reported in approximately 10% of HSP families (PMID: 28396731). (I) 0200 - Variant is predicted to result in a missense amino acid change from asparagine to aspartic acid. (I) 0251 - This variant is heterozygous. (I) 0301 - Variant is absent from gnomAD (both v2 and v3). (SP) 0502 - Missense variant with conflicting in silico predictions and uninformative conservation. (I) 0600 - Variant is located in the annotated N-linked glycosylation consensus site (PMID: 14506257). (I) 0702 - Another missense variant comparable to the one identified in this case has strong previous evidence for pathogenicity. This alternative change (p.Asn436Lys) has been reported as likely pathogenic and pathogenic (ClinVar, LOVD), and identified in an individual with hereditary spastic paraplegia (HSP) where the variant arose de novo (PMID: 25637064). Additionally, the inframe deletion of this residue (p.Asn436del) has been reported as as pathogenic (LOVD, ClinVar), segregated with disease in two related families with HSP, and was observed in another unrelated individual (PMID: 17427918, PMID: 19423133). (SP) 0807 - This variant has no previous evidence of pathogenicity. (I) 0905 - No published segregation evidence has been identified for this variant. (I) 1007 - No published functional evidence has been identified for this variant. (I) 1208 - Inheritance information for this variant is not currently available in this individual. (I) Legend: (SP) - Supporting pathogenic, (I) - Information, (SB) - Supporting benign

Paris Brain Institute, Inserm - ICM
Classification: Pathogenic for Hereditary spastic paraplegia 3A. Review status: criteria provided, single submitter. Criteria: ACMG Guidelines, 2015. Collection method: clinical testing. Allele origin: unknown. Affected: yes. Observed: 1 variant allele.

Literature cited by the submitters: PubMed 14506257 (cited by Labcorp Genetics (formerly Invitae), Labcorp and Victorian Clinical Genetics Services, Murdoch Childrens Research Institute); PubMed 16537571 (cited by Victorian Clinical Genetics Services, Murdoch Childrens Research Institute); PubMed 17427918 (cited by Victorian Clinical Genetics Services, Murdoch Childrens Research Institute); PubMed 19423133 (cited by Victorian Clinical Genetics Services, Murdoch Childrens Research Institute); PubMed 24473461 (cited by Victorian Clinical Genetics Services, Murdoch Childrens Research Institute); PubMed 25637064 (cited by Victorian Clinical Genetics Services, Murdoch Childrens Research Institute); PubMed 26888483 (cited by Victorian Clinical Genetics Services, Murdoch Childrens Research Institute); PubMed 28396731 (cited by Victorian Clinical Genetics Services, Murdoch Childrens Research Institute).

NM_015915.5(ATL1):c.1306A>G (p.Asn436Asp)

Gene: ATL1 (atlastin GTPase 1; plus strand). Cytogenetic location: 14q22.1.
Variant type: single nucleotide variant.
Coding change: c.1306A>G on transcript NM_015915.5 (MANE Select); coding-DNA position 1306, A replaced by G.
Protein change: p.Asn436Asp; replaces asparagine 436 with aspartic acid.
Molecular consequence: missense variant.
Genome position (GRCh38, 1-based): chr14:50,628,217, A>G. VCF-style: chr14-50628217-A-G. GRCh37 (hg19) VCF-style: chr14-51094935-A-G.
Other names: c.1306A>G, p.Asn436Asp (NM_001127713.1, NM_181598.4); short protein forms N436D.
Identifiers: ClinVar variation 989062 (VCV000989062.10), dbSNP rs2140239163, ClinGen allele CA389675997.